The following is an entry in ClinVar:

NM_144736.5(NDUFAF7):c.1070A>G (p.His357Arg)

Gene: NDUFAF7 (NADH:ubiquinone oxidoreductase complex assembly factor 7; plus strand). Cytogenetic location: 2p22.2.
Variant type: single nucleotide variant.
Coding change: c.1070A>G on transcript NM_144736.5 (MANE Select); coding-DNA position 1070, A replaced by G.
Protein change: p.His357Arg; replaces histidine 357 with arginine.
Molecular consequence: missense variant. On other transcripts: non-coding transcript variant (10).
Genome position (GRCh38, 1-based): chr2:37,247,589, A>G. VCF-style: chr2-37247589-A-G. GRCh37 (hg19) VCF-style: chr2-37474732-A-G.
Other names: c.776A>G, p.His259Arg (NM_001083946.2); c.1070A>G, p.His357Arg (NM_001350024.2); c.989A>G, p.His330Arg (NM_001350025.2); c.857A>G, p.His286Arg (NM_001350027.2); c.776A>G (NM_001083946.1); short protein forms H259R, H286R, H330R, H357R.
Identifiers: ClinVar variation 2180000 (VCV002180000.5), dbSNP rs141683919, ClinGen allele CA1617374.

ClinVar aggregate classification (germline): Uncertain significance. Review status: criteria provided, multiple submitters, no conflicts (2 of 4 stars). 2 submissions from 2 submitters: Uncertain significance (2). Last evaluated 2025-04-14.

Allele frequency attached by ClinVar (database versions not stated): gnomAD exomes 0.00002; ExAC 0.00008; 1000 Genomes Project 30x 0.00016; 1000 Genomes Project 0.00020; gnomAD 0.00024; TOPMed 0.00026; ESP Exome Variant Server 0.00038.
gnomAD v4.1: 62 of 1,614,014 alleles (0.0038%); highest among the groups gnomAD compares: African/African-American, 0.073%; no homozygotes.

Submissions (2):

Labcorp Genetics (formerly Invitae), Labcorp
Classification: Uncertain significance. Last evaluated: 2025-04-14. Review status: criteria provided, single submitter. Criteria: Invitae Variant Classification Sherloc (09022015). Collection method: clinical testing. Allele origin: germline.
Comment: This sequence change replaces histidine, which is basic and polar, with arginine, which is basic and polar, at codon 259 of the NDUFAF7 protein (p.His259Arg). This variant is present in population databases (rs141683919, gnomAD 0.1%), and has an allele count higher than expected for a pathogenic variant. This variant has not been reported in the literature in individuals affected with NDUFAF7-related conditions. ClinVar contains an entry for this variant (Variation ID: 2180000). An algorithm developed to predict the effect of missense changes on protein structure and function outputs the following: PolyPhen-2: "Benign". The arginine amino acid residue is found in multiple mammalian species, which suggests that this missense change does not adversely affect protein function. In summary, the available evidence is currently insufficient to determine the role of this variant in disease. Therefore, it has been classified as a Variant of Uncertain Significance.

Ambry Genetics
Classification: Uncertain significance. Last evaluated: 2024-10-16. Review status: criteria provided, single submitter. Criteria: Ambry Variant Classification Scheme 2023. Collection method: clinical testing. Allele origin: germline.